The following is an entry in ClinVar:

NM_000132.4(F8):c.887T>C (p.Leu296Pro)

Gene: F8 (coagulation factor VIII; minus strand). Cytogenetic location: Xq28.
Variant type: single nucleotide variant.
Coding change: c.887T>C on transcript NM_000132.4 (MANE Select); coding-DNA position 887, T replaced by C.
Protein change: p.Leu296Pro; replaces leucine 296 with proline.
Molecular consequence: missense variant.
Genome position (GRCh38, 1-based): chrX:154,969,453, A>G on the plus strand (T>C on the coding strand, the complement: F8 is on the minus strand). VCF-style: chrX-154969453-A-G. GRCh37 (hg19) VCF-style: chrX-154197728-A-G.
Other names: short protein forms L296P.
Identifiers: ClinVar variation 4848529 (VCV004848529.1).
Genomic context (GRCh38, chrX:154,969,453, plus strand): 5'-TGAGCAGTAAGGAAAGTTATTGGCGAGATTTCCAAGGACGCCTGGCGATGGTTCCTCACA[A>G]GAAATGTGTGACCTTCGAGGAATATTGAGTGCACTTCAGGAGTGGTGCCCATTCCAATCA-3'
Protein context (NP_000123.1, residues 286-306): HSIFLEGHTF[Leu296Pro]VRNHRQASLE

ClinVar aggregate classification (germline): Uncertain significance (1 of 4 stars; one submission).

Submission:

Women's Health and Genetics/Laboratory Corporation of America, LabCorp
Classification: Uncertain significance. Last evaluated: 2026-04-15. Review status: criteria provided, single submitter. Criteria: LabCorp Variant Classification Summary - May 2015. Collection method: clinical testing. Allele origin: germline.
Comment: Variant summary: F8 c.887T>C (p.Leu296Pro) results in a non-conservative amino acid change in the encoded protein sequence. Algorithms developed to predict the effect of missense changes on protein structure and function all suggest that this variant is likely to be disruptive. The variant was absent in 183115 control chromosomes. The available data on variant occurrences in the general population are insufficient to allow any conclusion about variant significance. To our knowledge, no occurrence of c.887T>C in individuals affected with F8-related conditions and no experimental evidence demonstrating its impact on protein function have been reported. No submitters have cited clinical-significance assessments for this variant to ClinVar. Based on the evidence outlined above, the variant was classified as uncertain significance.